The following is an entry in ClinVar:

NM_001440.4(EXTL3):c.1581T>G (p.Phe527Leu)

Gene: EXTL3 (exostosin like glycosyltransferase 3; plus strand). Cytogenetic location: 8p21.1.
Variant type: single nucleotide variant.
Coding change: c.1581T>G on transcript NM_001440.4 (MANE Select); coding-DNA position 1581, T replaced by G.
Protein change: p.Phe527Leu; replaces phenylalanine 527 with leucine.
Molecular consequence: missense variant.
Genome position (GRCh38, 1-based): chr8:28,717,640, T>G. VCF-style: chr8-28717640-T-G. GRCh37 (hg19) VCF-style: chr8-28575157-T-G.
Other names: c.1581T>G, p.Phe527Leu (NM_001437797.1, NM_001438399.1, NM_001438400.1 and 4 more transcripts); short protein forms F527L.
Identifiers: ClinVar variation 4701411 (VCV004701411.1).

ClinVar aggregate classification (germline): Uncertain significance (1 of 4 stars; one submission).

Submission:

Labcorp Genetics (formerly Invitae), Labcorp
Classification: Uncertain significance. Last evaluated: 2025-10-03. Review status: criteria provided, single submitter. Criteria: Invitae Variant Classification Sherloc (09022015). Collection method: clinical testing. Allele origin: germline.
Comment: This sequence change replaces phenylalanine, which is neutral and non-polar, with leucine, which is neutral and non-polar, at codon 527 of the EXTL3 protein (p.Phe527Leu). This variant is not present in population databases (gnomAD no frequency). This variant has not been reported in the literature in individuals affected with EXTL3-related conditions. Invitae Evidence Modeling of protein sequence and biophysical properties (such as structural, functional, and spatial information, amino acid conservation, physicochemical variation, residue mobility, and thermodynamic stability) indicates that this missense variant is not expected to disrupt EXTL3 protein function with a negative predictive value of 80%. In summary, the available evidence is currently insufficient to determine the role of this variant in disease. Therefore, it has been classified as a Variant of Uncertain Significance.